The following is an entry in ClinVar:

NM_001031685.3(TP53BP2):c.566C>T (p.Ala189Val)

Gene: TP53BP2 (tumor protein p53 binding protein 2; minus strand). Cytogenetic location: 1q41.
Variant type: single nucleotide variant.
Coding change: c.566C>T on transcript NM_001031685.3 (MANE Select); coding-DNA position 566, C replaced by T.
Protein change: p.Ala189Val; replaces alanine 189 with valine.
Molecular consequence: missense variant.
Genome position (GRCh38, 1-based): chr1:223,804,257, G>A on the plus strand (C>T on the coding strand, the complement: TP53BP2 is on the minus strand). VCF-style: chr1-223804257-G-A. GRCh37 (hg19) VCF-style: chr1-223991959-G-A.
Other names: c.179C>T, p.Ala60Val (NM_005426.3); short protein forms A60V, A189V.
Identifiers: ClinVar variation 788949 (VCV000788949.7), dbSNP rs61749337, ClinGen allele CA1413067.

ClinVar aggregate classification (germline): Benign. Review status: criteria provided, multiple submitters, no conflicts (2 of 4 stars). 3 submissions from 3 submitters: Benign (2). 1 of the submissions does not count toward it. Last evaluated 2019-12-31.

Conditions:
TP53BP2-related disorder. Also called: TP53BP2-related condition.

Allele frequency attached by ClinVar (database versions not stated): 1000 Genomes Project 30x 0.00312; 1000 Genomes Project 0.00359; TOPMed 0.00854; ESP Exome Variant Server 0.01000.
gnomAD v4.1: 19,018 of 1,614,044 alleles (1.2%); highest among the groups gnomAD compares: Non-Finnish European, 1.4%; 156 homozygotes.

Submissions (3):

Labcorp Genetics (formerly Invitae), Labcorp
Classification: Benign. Last evaluated: 2019-12-31. Review status: criteria provided, single submitter. Criteria: Invitae Variant Classification Sherloc (09022015). Collection method: clinical testing. Allele origin: germline.

Breakthrough Genomics
Classification: Benign. Review status: criteria provided, single submitter. Criteria: ACMG Guidelines, 2015. Collection method: not provided. Allele origin: germline. Inheritance: Unknown mechanism. Affected: yes.

PreventionGenetics, part of Exact Sciences
Classification: Benign for TP53BP2-related condition. Last evaluated: 2019-02-20. Review status: no assertion criteria provided. Collection method: clinical testing. Allele origin: germline. Not counted in ClinVar's aggregate classification.
Comment: This variant is classified as benign based on ACMG/AMP sequence variant interpretation guidelines (Richards et al. 2015 PMID: 25741868, with internal and published modifications).